The following is an entry in ClinVar:

NM_001267550.2(TTN):c.54811+8T>C

Genes: TTN (titin; minus strand), TTN-AS1 (TTN antisense RNA 1; plus strand). Cytogenetic location: 2q31.2.
Variant type: single nucleotide variant.
Coding change: c.54811+8T>C on transcript NM_001267550.2 (MANE Select); 8 bases into the intron after coding-DNA position 54811, T replaced by C.
Molecular consequence: intron variant.
Genome position (GRCh38, 1-based): chr2:178,603,868, A>G on the plus strand (T>C on the coding strand, the complement: TTN is on the minus strand). VCF-style: chr2-178603868-A-G. GRCh37 (hg19) VCF-style: chr2-179468595-A-G.
Other names: c.27616+8T>C (NM_003319.4); c.28192+8T>C (NM_133437.4); c.27991+8T>C (NM_133432.3); c.47107+8T>C (NM_133378.4); c.49888+8T>C (NM_001256850.1).
Identifiers: ClinVar variation 516030 (VCV000516030.7), dbSNP rs747409403, ClinGen allele CA1993574.

ClinVar aggregate classification (germline): Conflicting classifications of pathogenicity. Review status: criteria provided, conflicting classifications (1 of 4 stars). 7 submissions from 3 submitters: Uncertain significance (3); Benign (2); Likely benign (2). Last evaluated 2024-12-16.

Conditions:
Autosomal recessive limb-girdle muscular dystrophy type 2J (LGMDR10). Also called: MUSCULAR DYSTROPHY, LIMB-GIRDLE, AUTOSOMAL RECESSIVE 10; Limb-girdle muscular dystrophy, type 2J. Identifiers: Orphanet 140922, MedGen C1837342, MONDO:0012127, OMIM 608807.
Dilated cardiomyopathy 1G (CMD1G). Identifiers: Orphanet 154, MedGen C1858763, MONDO:0011400, OMIM 604145.
Myopathy, myofibrillar, 9, with early respiratory failure (MFM9). Also called: MYOPATHY, PROXIMAL, WITH EARLY RESPIRATORY MUSCLE INVOLVEMENT; Myopathy, distal, with early respiratory failure, autosomal dominant; Hereditary myopathy with early respiratory failure; EDSTROM MYOPATHY. Identifiers: Orphanet 178464, Orphanet 34521, MedGen C1863599, MONDO:0011362, OMIM 603689.
Tibial muscular dystrophy (TMD). Also called: Udd Distal Myopathy – Tibial Muscular Dystrophy; Tibial muscular dystrophy, tardive; UDD MYOPATHY. Identifiers: Orphanet 609, MedGen C1838244, MONDO:0010870, OMIM 600334.
Early-onset myopathy with fatal cardiomyopathy (CMYO5). Also called: Salih Myopathy; CONGENITAL MYOPATHY 5 WITH CARDIOMYOPATHY. Identifiers: Orphanet 289377, MedGen C2673677, MONDO:0012714, OMIM 611705. Disease mechanism: loss of function.

Allele frequency attached by ClinVar (database versions not stated): gnomAD below 0.00001 and 0.00003; TOPMed below 0.00001; gnomAD exomes 0.00004 and 0.00011; ExAC 0.00009.
gnomAD v4.1: 61 of 1,542,232 alleles (0.004%); highest among the groups gnomAD compares: South Asian, 0.075%; no homozygotes.

Submissions (7):

Labcorp Genetics (formerly Invitae), Labcorp
Classification: Likely benign for Dilated cardiomyopathy 1G; Autosomal recessive limb-girdle muscular dystrophy type 2J. Last evaluated: 2024-12-16. Review status: criteria provided, single submitter. Criteria: Invitae Variant Classification Sherloc (09022015). Collection method: clinical testing. Allele origin: germline.

GeneDx
Classification: Likely benign. Last evaluated: 2018-03-09. Review status: criteria provided, single submitter. Criteria: GeneDx Variant Classification (06012015). Collection method: clinical testing. Allele origin: germline. Affected: yes.
Comment: This variant is considered likely benign or benign based on one or more of the following criteria: it is a conservative change, it occurs at a poorly conserved position in the protein, it is predicted to be benign by multiple in silico algorithms, and/or has population frequency not consistent with disease.

Illumina Laboratory Services, Illumina
Classification: Uncertain significance for Early-onset myopathy with fatal cardiomyopathy. Last evaluated: 2018-01-13. Review status: criteria provided, single submitter. Criteria: ICSL Variant Classification Criteria 13 December 2019. Collection method: clinical testing. Allele origin: germline.

Illumina Laboratory Services, Illumina
Classification: Benign for Myopathy, myofibrillar, 9, with early respiratory failure. Last evaluated: 2018-01-13. Review status: criteria provided, single submitter. Criteria: ICSL Variant Classification Criteria 13 December 2019. Collection method: clinical testing. Allele origin: germline.
Comment: This variant was observed in the ICSL laboratory as part of a predisposition screen in an ostensibly healthy population. It had not been previously curated by ICSL or reported in the Human Gene Mutation Database (HGMD: prior to June 1st, 2018), and was therefore a candidate for classification through an automated scoring system. Utilizing variant allele frequency, disease prevalence and penetrance estimates, and inheritance mode, an automated score was calculated to assess if this variant is too frequent to cause the disease. Based on the score and internal cut-off values, a variant classified as benign is not then subjected to further curation. The score for this variant resulted in a classification of benign for this disease.

Illumina Laboratory Services, Illumina
Classification: Uncertain significance for Dilated cardiomyopathy 1G. Last evaluated: 2018-01-13. Review status: criteria provided, single submitter. Criteria: ICSL Variant Classification Criteria 13 December 2019. Collection method: clinical testing. Allele origin: germline.

Illumina Laboratory Services, Illumina
Classification: Benign for Tibial muscular dystrophy. Last evaluated: 2018-01-13. Review status: criteria provided, single submitter. Criteria: ICSL Variant Classification Criteria 13 December 2019. Collection method: clinical testing. Allele origin: germline.
Comment: the same text as in the submission from Illumina Laboratory Services, Illumina above.

Illumina Laboratory Services, Illumina
Classification: Uncertain significance for Autosomal recessive limb-girdle muscular dystrophy type 2J. Last evaluated: 2018-01-13. Review status: criteria provided, single submitter. Criteria: ICSL Variant Classification Criteria 13 December 2019. Collection method: clinical testing. Allele origin: germline.